The following is an entry in ClinVar:

ClinVar aggregate classification (germline): Uncertain significance. Review status: criteria provided, multiple submitters, no conflicts (2 of 4 stars). 3 submissions from 3 submitters: Uncertain significance (3). Last evaluated 2025-11-17.

Conditions:
Hereditary cancer-predisposing syndrome. Also called: Neoplastic Syndromes, Hereditary; Tumor predisposition; Hereditary neoplastic syndrome; Hereditary Cancer Syndrome. Identifiers: Orphanet 140162, MedGen C0027672, MeSH D009386, MONDO:0015356.

Allele frequency attached by ClinVar (database versions not stated): gnomAD exomes below 0.00001; TOPMed below 0.00001; gnomAD 0.00001.
gnomAD v4.1: 5 of 1,595,770 alleles (0.00031%); highest among the groups gnomAD compares: Non-Finnish European, 0.00043%; no homozygotes.

Submissions (3):

Labcorp Genetics (formerly Invitae), Labcorp
Classification: Uncertain significance. Last evaluated: 2025-11-17. Review status: criteria provided, single submitter. Criteria: Invitae Variant Classification Sherloc (09022015). Collection method: clinical testing. Allele origin: germline.
Comment: This sequence change replaces serine, which is neutral and polar, with glycine, which is neutral and non-polar, at codon 804 of the MSH3 protein (p.Ser804Gly). This variant is present in population databases (no rsID available, gnomAD 0.0009%). This variant has not been reported in the literature in individuals affected with MSH3-related conditions. ClinVar contains an entry for this variant (Variation ID: 643131). An algorithm developed to predict the effect of missense changes on protein structure and function outputs the following: PolyPhen-2: "Benign". The glycine amino acid residue is found in multiple mammalian species, which suggests that this missense change does not adversely affect protein function. In summary, the available evidence is currently insufficient to determine the role of this variant in disease. Therefore, it has been classified as a Variant of Uncertain Significance.

Ambry Genetics
Classification: Uncertain significance for Hereditary cancer-predisposing syndrome. Last evaluated: 2025-09-22. Review status: criteria provided, single submitter. Criteria: Ambry Variant Classification Scheme 2023. Collection method: clinical testing. Allele origin: germline.
Comment: The p.S804G variant (also known as c.2410A>G), located in coding exon 17 of the MSH3 gene, results from an A to G substitution at nucleotide position 2410. The serine at codon 804 is replaced by glycine, an amino acid with similar properties. This amino acid position is conserved. In addition, this alteration is predicted to be tolerated by in silico analysis. Since supporting evidence is limited at this time, the clinical significance of this alteration remains unclear.

Quest Diagnostics Nichols Institute San Juan Capistrano
Classification: Uncertain significance. Last evaluated: 2023-06-22. Review status: criteria provided, single submitter. Criteria: Quest Diagnostics criteria. Collection method: clinical testing. Allele origin: unknown.
Comment: This variant has not been reported in the published literature. The frequency of this variant in the general population, 0.000004 (1/251192 chromosomes (Genome Aggregation Database)), is uninformative in the assessment of its pathogenicity. Analysis of this variant using bioinformatics tools for the prediction of the effect of amino acid changes on protein structure and function yielded predictions that this variant is benign. Based on the available information, we are unable to determine the clinical significance of this variant.

NM_002439.5(MSH3):c.2410A>G (p.Ser804Gly)

Gene: MSH3 (mutS homolog 3; plus strand). Cytogenetic location: 5q14.1.
Variant type: single nucleotide variant.
Coding change: c.2410A>G on transcript NM_002439.5 (MANE Select); coding-DNA position 2410, A replaced by G.
Protein change: p.Ser804Gly; replaces serine 804 with glycine.
Molecular consequence: missense variant.
Genome position (GRCh38, 1-based): chr5:80,778,811, A>G. VCF-style: chr5-80778811-A-G. GRCh37 (hg19) VCF-style: chr5-80074630-A-G.
Other names: c.2410A>G (NM_002439.3); short protein forms S804G.
Identifiers: ClinVar variation 643131 (VCV000643131.13), dbSNP rs1165114619, ClinGen allele CA360281886.
Genomic context (GRCh38, chr5:80,778,811, plus strand): 5'-TTTATTGTAGAAAATTACAGACATCTGAATCAGCTCCGGGAGCAGCTAGTCCTTGACTGC[A>G]GTGCTGAATGGCTTGATTTTCTAGAGTGAGTTTACAATGAAAAAATATAATCTGACTTTT-3'
Protein context (NP_002430.3, residues 794-814): QLREQLVLDC[Ser804Gly]AEWLDFLEKF